The following is an entry in ClinVar:

NM_015627.3(LDLRAP1):c.104G>A (p.Trp35Ter)

Gene: LDLRAP1 (low density lipoprotein receptor adaptor protein 1; plus strand). Cytogenetic location: 1p36.11.
Variant type: single nucleotide variant.
Coding change: c.104G>A on transcript NM_015627.3 (MANE Select); coding-DNA position 104, G replaced by A.
Protein change: p.Trp35Ter; replaces tryptophan 35 with a stop codon.
Molecular consequence: nonsense.
Genome position (GRCh38, 1-based): chr1:25,553,937, G>A. VCF-style: chr1-25553937-G-A. GRCh37 (hg19) VCF-style: chr1-25880428-G-A.
Other names: c.104G>A (NM_015627.2); short protein forms W35*.
Identifiers: ClinVar variation 1394189 (VCV001394189.7), dbSNP rs2124663461, ClinGen allele CA339077616.

ClinVar aggregate classification (germline): Pathogenic/Likely pathogenic. Review status: criteria provided, multiple submitters, no conflicts (2 of 4 stars). 2 submissions from 2 submitters: Pathogenic (1); Likely pathogenic (1). Last evaluated 2024-03-27.

Conditions:
Familial hypercholesterolemia. Also called: Familial hypercholesterolemias; Familial hypercholesterolaemia. Identifiers: MedGen C0020445, MONDO:0005439.
Hypercholesterolemia, familial, 4 (FHCL4). Also called: HYPERCHOLESTEROLEMIA, AUTOSOMAL RECESSIVE, 1; HYPERCHOLESTEROLEMIA, AUTOSOMAL RECESSIVE, 2. Identifiers: Orphanet 391665, MedGen C1863512, MONDO:0011374, OMIM 603813.

Allele frequency attached by ClinVar (database versions not stated): gnomAD exomes below 0.00001.
gnomAD v4.1: 1 of 1,613,930 alleles (0.000062%); highest among the groups gnomAD compares: Non-Finnish European, 0.000085%; no homozygotes.

Submissions (2):

Natera, Inc.
Classification: Likely pathogenic for Familial hypercholesterolemia. Last evaluated: 2024-03-27. Review status: criteria provided, single submitter. Criteria: Natera Variant Classification Schema (03/2026). Collection method: clinical testing. Allele origin: germline.
Comment: The c.104G>A variant in LDLRAP1 is a nonsense variant predicted to introduce a stop codon at amino acid 35. This variant is expected to result in nonsense mediated decay, truncation, or a dysfunctional protein product. This variant is rare in the general population with a frequency below the threshold expected for the associated phenotype(s). Given the available evidence, this variant is classified as Likely Pathogenic.

Labcorp Genetics (formerly Invitae), Labcorp
Classification: Pathogenic for Hypercholesterolemia, familial, 4. Last evaluated: 2023-11-28. Review status: criteria provided, single submitter. Criteria: Invitae Variant Classification Sherloc (09022015). Collection method: clinical testing. Allele origin: germline.
Comment: This sequence change creates a premature translational stop signal (p.Trp35*) in the LDLRAP1 gene. It is expected to result in an absent or disrupted protein product. Loss-of-function variants in LDLRAP1 are known to be pathogenic (PMID: 11326085, 12464675). This variant is not present in population databases (gnomAD no frequency). This variant has not been reported in the literature in individuals affected with LDLRAP1-related conditions. ClinVar contains an entry for this variant (Variation ID: 1394189). For these reasons, this variant has been classified as Pathogenic.

Literature cited by the submitters: PubMed 11326085 (cited by Labcorp Genetics (formerly Invitae), Labcorp); PubMed 12464675 (cited by Labcorp Genetics (formerly Invitae), Labcorp).